The following is an entry in ClinVar:

NM_001440.4(EXTL3):c.2533C>T (p.Arg845Trp)

Gene: EXTL3 (exostosin like glycosyltransferase 3; plus strand). Cytogenetic location: 8p21.1.
Variant type: single nucleotide variant.
Coding change: c.2533C>T on transcript NM_001440.4 (MANE Select); coding-DNA position 2533, C replaced by T.
Protein change: p.Arg845Trp; replaces arginine 845 with tryptophan.
Molecular consequence: missense variant. On other transcripts: non-coding transcript variant (1).
Genome position (GRCh38, 1-based): chr8:28,743,197, C>T. VCF-style: chr8-28743197-C-T. GRCh37 (hg19) VCF-style: chr8-28600714-C-T.
Other names: short protein forms R845W.
Identifiers: ClinVar variation 1410872 (VCV001410872.8), dbSNP rs769238546, ClinGen allele CA4696446.
Genomic context (GRCh38, chr8:28,743,197, plus strand): 5'-GTGGATGAATACATCAACTGTGAGGACATTGCCATGAACTTCCTTGTCTCCCACATCACT[C>T]GGAAGCCCCCCATCAAGGTGAGGTCCCACCACTGGTGGGGCTGTGGATGCGTGCATGTTT-3'
Protein context (NP_001431.1, residues 835-855): AMNFLVSHIT[Arg845Trp]KPPIKVTSRW

ClinVar aggregate classification (germline): Uncertain significance (1 of 4 stars; one submission).

Allele frequency attached by ClinVar (database versions not stated): gnomAD exomes below 0.00001; ExAC 0.00001.
gnomAD v4.1: 5 of 1,614,196 alleles (0.00031%); highest among the groups gnomAD compares: Non-Finnish European, 0.00042%; no homozygotes.

Submission:

Labcorp Genetics (formerly Invitae), Labcorp
Classification: Uncertain significance. Last evaluated: 2021-04-30. Review status: criteria provided, single submitter. Criteria: Invitae Variant Classification Sherloc (09022015). Collection method: clinical testing. Allele origin: germline.
Comment: In summary, the available evidence is currently insufficient to determine the role of this variant in disease. Therefore, it has been classified as a Variant of Uncertain Significance. This sequence change replaces arginine with tryptophan at codon 845 of the EXTL3 protein (p.Arg845Trp). The arginine residue is highly conserved and there is a moderate physicochemical difference between arginine and tryptophan. This variant is present in population databases (rs769238546, ExAC 0.001%). This variant has not been reported in the literature in individuals with EXTL3-related conditions. Algorithms developed to predict the effect of missense changes on protein structure and function (SIFT, PolyPhen-2, Align-GVGD) all suggest that this variant is likely to be disruptive, but these predictions have not been confirmed by published functional studies and their clinical significance is uncertain.